The following is an entry in ClinVar:

ClinVar aggregate classification (germline): Uncertain significance (1 of 4 stars; one submission).

Submission:

GeneDx
Classification: Uncertain significance. Last evaluated: 2024-10-29. Review status: criteria provided, single submitter. Criteria: GeneDx Variant Classification Process June 2021. Collection method: clinical testing. Allele origin: germline. Affected: yes.
Comment: Not observed at significant frequency in large population cohorts (gnomAD); In silico analysis indicates that this missense variant does not alter protein structure/function; Has not been previously published as pathogenic or benign to our knowledge

NM_005909.5(MAP1B):c.5827A>T (p.Ile1943Phe)

Gene: MAP1B (microtubule associated protein 1B; plus strand). Cytogenetic location: 5q13.2.
Variant type: single nucleotide variant.
Coding change: c.5827A>T on transcript NM_005909.5 (MANE Select); coding-DNA position 5827, A replaced by T.
Protein change: p.Ile1943Phe; replaces isoleucine 1943 with phenylalanine.
Molecular consequence: missense variant.
Genome position (GRCh38, 1-based): chr5:72,199,182, A>T. VCF-style: chr5-72199182-A-T. GRCh37 (hg19) VCF-style: chr5-71495009-A-T.
Other names: c.5449A>T, p.Ile1817Phe (NM_001324255.2); short protein forms I1817F, I1943F.
Identifiers: ClinVar variation 3897241 (VCV003897241.1).